The following is an entry in ClinVar:

NM_004380.3(CREBBP):c.5890C>T (p.Arg1964Cys)

Gene: CREBBP (CREB binding lysine acetyltransferase; minus strand). Cytogenetic location: 16p13.3.
Variant type: single nucleotide variant.
Coding change: c.5890C>T on transcript NM_004380.3 (MANE Select); coding-DNA position 5890, C replaced by T.
Protein change: p.Arg1964Cys; replaces arginine 1964 with cysteine.
Molecular consequence: missense variant.
Genome position (GRCh38, 1-based): chr16:3,729,157, G>A on the plus strand (C>T on the coding strand, the complement: CREBBP is on the minus strand). VCF-style: chr16-3729157-G-A. GRCh37 (hg19) VCF-style: chr16-3779158-G-A.
Other names: c.5776C>T, p.Arg1926Cys (NM_001079846.1); c.5890C>T (NM_004380.2); short protein forms R1964C, R1926C.
Identifiers: ClinVar variation 4928310 (VCV004928310.3).

ClinVar aggregate classification (germline): Uncertain significance. Review status: criteria provided, multiple submitters, no conflicts (2 of 4 stars). 3 submissions from 3 submitters: Uncertain significance (3). Last evaluated 2026-09-08.

Conditions:
Inborn genetic diseases. Identifiers: MedGen C0950123, MeSH D030342.
CREBBP-related disorder. Also called: CREBBP-related condition; CREBBP-related disorders.

gnomAD v4.1: 3 of 1,504,006 alleles (0.0002%); highest among the groups gnomAD compares: Non-Finnish European, 0.00018%; no homozygotes.

Submissions (3):

Ambry Genetics
Classification: Uncertain significance for Inborn genetic diseases. Last evaluated: 2026-09-08. Review status: criteria provided, single submitter. Criteria: Ambry Variant Classification Scheme 2023. Collection method: clinical testing. Allele origin: germline.

PreventionGenetics, part of Exact Sciences
Classification: Uncertain significance for CREBBP-related condition. Last evaluated: 2025-06-12. Review status: criteria provided, single submitter. Criteria: ACMG Guidelines, 2015. Collection method: clinical testing. Allele origin: germline.
Comment: The CREBBP c.5890C>T variant is predicted to result in the amino acid substitution p.Arg1964Cys. To our knowledge, this variant has not been reported in the literature or in a large population database (gnomAD), indicating this variant is rare. At this time, the clinical significance of this variant is uncertain due to the absence of conclusive functional and genetic evidence.

Blueprint Genetics
Classification: Uncertain significance. Last evaluated: 2022-01-10. Review status: criteria provided, single submitter. Criteria: ACMG Guidelines, 2015. Collection method: clinical testing. Allele origin: germline.